The following is an entry in ClinVar:

ClinVar aggregate classification (germline): Uncertain significance (1 of 4 stars; one submission).

Conditions:
Neurodevelopmental disorder. Identifiers: MedGen C1535926, MeSH D065886, MONDO:0700092.

gnomAD v4.1: 2 of 1,614,160 alleles (0.00012%); highest among the groups gnomAD compares: Non-Finnish European, 0.00017%; no homozygotes.

Submission:

Victorian Clinical Genetics Services, Murdoch Childrens Research Institute
Classification: Uncertain significance for Neurodevelopmental disorder. Last evaluated: 2022-06-24. Review status: criteria provided, single submitter. Criteria: ACMG Guidelines, 2015. Collection method: clinical testing. Allele origin: germline. Inheritance: Autosomal dominant inheritance. Affected: yes.
Comment: Based on the classification scheme VCGS_Germline_v1.3.4, this variant is classified as VUS-3B. Following criteria are met: 0102 - Loss of function is a known mechanism of disease in this gene and is associated with neurodevelopmental disorder, CHD5-related (MONDO#0700092). (I) 0107 - This gene is associated with autosomal dominant disease. (I) 0112 - The condition associated with this gene has incomplete penetrance, with a single family reported (PMID: 33944996). (I) 0115 - Variants in this gene are known to have variable expressivity. Intrafamilial variability has been reported (PMID: 33944996). (I) 0200 - Variant is predicted to result in a missense amino acid change from glycine to alanine. (I) 0251 - This variant is heterozygous. (I) 0301 - Variant is absent from gnomAD (both v2 and v3). (SP) 0309 - An alternative amino acid change at the same position, p.(Gly1227Glu), has been observed in gnomAD (v2: 1 heterozygote, 0 homozygotes). (I) 0502 - Missense variant with conflicting in silico predictions and high conservation. (I) 0604 - Variant is not located in an established domain, motif, hotspot or informative constraint region. (I) 0705 - No comparable missense variants have previous evidence for pathogenicity. (I) 0807 - This variant has no previous evidence of pathogenicity. (I) 0905 - No published segregation evidence has been identified for this variant. (I) 1007 - No published functional evidence has been identified for this variant. (I) 1208 - Inheritance information for this variant is not currently available in this individual. (I) Legend: (SP) - Supporting pathogenic, (I) - Information, (SB) - Supporting benign

Literature cited by the submitters: PubMed 33944996.

NM_015557.3(CHD5):c.3680G>C (p.Gly1227Ala)

Gene: CHD5 (chromodomain helicase DNA binding protein 5; minus strand). Cytogenetic location: 1p36.31.
Variant type: single nucleotide variant.
Coding change: c.3680G>C on transcript NM_015557.3 (MANE Select); coding-DNA position 3680, G replaced by C.
Protein change: p.Gly1227Ala; replaces glycine 1227 with alanine.
Molecular consequence: missense variant.
Genome position (GRCh38, 1-based): chr1:6,128,549, C>G on the plus strand (G>C on the coding strand, the complement: CHD5 is on the minus strand). VCF-style: chr1-6128549-C-G. GRCh37 (hg19) VCF-style: chr1-6188609-C-G.
Other names: short protein forms G1227A.
Identifiers: ClinVar variation 1699250 (VCV001699250.3), dbSNP rs1557544846, ClinGen allele CA338075710.
Genomic context (GRCh38, chr1:6,128,549, plus strand): 5'-TGGCCCCTACCTGGCGGGGTGCTACCGTGCTTCTTCTTTGCACTGGCGGCCAAGTTCCCC[C>G]CTTTGGAGGACTGGACATCAGGGATGGGTGTGACCGGCCTCTGGCCCTGAGACATCATGC-3'
Protein context (NP_056372.1, residues 1217-1237): TPIPDVQSSK[Gly1227Ala]GNLAASAKKK